The following is an entry in ClinVar:

NM_015338.6(ASXL1):c.1879G>T (p.Ala627Ser)

Gene: ASXL1 (ASXL transcriptional regulator 1; plus strand). Cytogenetic location: 20q11.21.
Variant type: single nucleotide variant.
Coding change: c.1879G>T on transcript NM_015338.6 (MANE Select); coding-DNA position 1879, G replaced by T.
Protein change: p.Ala627Ser; replaces alanine 627 with serine.
Molecular consequence: missense variant.
Genome position (GRCh38, 1-based): chr20:32,434,591, G>T. VCF-style: chr20-32434591-G-T. GRCh37 (hg19) VCF-style: chr20-31022394-G-T.
Other names: c.1696G>T, p.Ala566Ser (NM_001363734.1); short protein forms A566S, A627S.
Identifiers: ClinVar variation 935159 (VCV000935159.10), dbSNP rs2011666508, ClinGen allele CA408558104.

ClinVar aggregate classification (germline): Uncertain significance. Review status: criteria provided, multiple submitters, no conflicts (2 of 4 stars). 2 submissions from 2 submitters: Uncertain significance (2). Last evaluated 2026-05-22.

Conditions:
Inborn genetic diseases. Identifiers: MedGen C0950123, MeSH D030342.

gnomAD v4.1: 1 of 1,613,142 alleles (0.000062%); highest among the groups gnomAD compares: Non-Finnish European, 0.000085%; no homozygotes.

Submissions (2):

Ambry Genetics
Classification: Uncertain significance for Inborn genetic diseases. Last evaluated: 2026-05-22. Review status: criteria provided, single submitter. Criteria: Ambry Variant Classification Scheme 2023. Collection method: clinical testing. Allele origin: germline.
Comment: The p.A627S variant (also known as c.1879G>T), located in coding exon 13 of the ASXL1 gene, results from a G to T substitution at nucleotide position 1879. The alanine at codon 627 is replaced by serine, an amino acid with similar properties. This amino acid position is conserved. In addition, this alteration is predicted to be tolerated by in silico analysis. Based on the available evidence, the clinical significance of this variant remains unclear.

Labcorp Genetics (formerly Invitae), Labcorp
Classification: Uncertain significance. Last evaluated: 2019-08-21. Review status: criteria provided, single submitter. Criteria: Invitae Variant Classification Sherloc (09022015). Collection method: clinical testing. Allele origin: germline.
Comment: In summary, the available evidence is currently insufficient to determine the role of this variant in disease. Therefore, it has been classified as a Variant of Uncertain Significance. Algorithms developed to predict the effect of missense changes on protein structure and function (SIFT, PolyPhen-2, Align-GVGD) all suggest that this variant is likely to be tolerated, but these predictions have not been confirmed by published functional studies and their clinical significance is uncertain. This variant is not present in population databases (ExAC no frequency). This sequence change replaces alanine with serine at codon 627 of the ASXL1 protein (p.Ala627Ser). The alanine residue is moderately conserved and there is a moderate physicochemical difference between alanine and serine.